The following is an entry in ClinVar:

ClinVar aggregate classification (germline): Likely benign. Review status: criteria provided, multiple submitters, no conflicts (2 of 4 stars). 2 submissions from 2 submitters: Likely benign (2). Last evaluated 2026-09-18.

Conditions:
MYH7B-related disorder. Also called: MYH7B-related condition.

Allele frequency attached by ClinVar (database versions not stated): ExAC 0.00004; gnomAD 0.00005; TOPMed 0.00006; gnomAD exomes 0.00010.

Submissions (2):

PreventionGenetics, part of Exact Sciences
Classification: Likely benign for MYH7B-related condition. Last evaluated: 2026-09-18. Review status: criteria provided, single submitter. Criteria: ACMG Guidelines, 2015. Collection method: clinical testing. Allele origin: germline.
Comment: This variant is classified as likely benign based on ACMG/AMP sequence variant interpretation guidelines (Richards et al. 2015 PMID: 25741868, with internal and published modifications).

Labcorp Genetics (formerly Invitae), Labcorp
Classification: Likely benign. Last evaluated: 2024-10-25. Review status: criteria provided, single submitter. Criteria: Invitae Variant Classification Sherloc (09022015). Collection method: clinical testing. Allele origin: germline.

NM_020884.7(MYH7B):c.2183+9C>T

Gene: MYH7B (myosin heavy chain 7B; plus strand). Cytogenetic location: 20q11.22.
Variant type: single nucleotide variant.
Coding change: c.2183+9C>T on transcript NM_020884.7 (MANE Select); 9 bases into the intron after coding-DNA position 2183, C replaced by T.
Molecular consequence: intron variant.
Genome position (GRCh38, 1-based): chr20:34,991,130, C>T. VCF-style: chr20-34991130-C-T. GRCh37 (hg19) VCF-style: chr20-33578933-C-T.
Other names: c.2309+9C>T (NM_020884.4).
Identifiers: ClinVar variation 2187291 (VCV002187291.5), dbSNP rs774189762, ClinGen allele CA9827260.
Genomic context (GRCh38, chr20:34,991,130, plus strand): 5'-TCTGCCGCCAAGGGTTCCCCAACAGGTTGCTCTACACCGACTTCCGGCAGCGGTGGGTGA[C>T]CCCTTCCCCCTGCCTGCTGCTCCAGGTGGAGGCCTGAGGGGCTGGGCAGGACACACATAT-3'